The following is an entry in ClinVar:

ClinVar aggregate classification (germline): Likely pathogenic (1 of 4 stars; one submission).

Submission:

Labcorp Genetics (formerly Invitae), Labcorp
Classification: Likely pathogenic. Last evaluated: 2020-01-28. Review status: criteria provided, single submitter. Criteria: Invitae Variant Classification Sherloc (09022015). Collection method: clinical testing. Allele origin: germline.
Comment: This variant is not present in population databases (ExAC no frequency). This sequence change replaces glycine with arginine at codon 837 of the COL2A1 protein (p.Gly837Arg). The glycine residue is highly conserved and there is a moderate physicochemical difference between glycine and arginine. This variant has not been reported in the literature in individuals with COL2A1-related conditions. Glycine residues within the Gly-Xaa-Yaa repeats of the triple helix domain are required for the structure and stability of fibrillar collagens (PMID: 7695699, 8218237, 19344236). In COL2A1, missense variants at these glycine residues are significantly enriched in individuals with disease (PMID: 10612821, 26443184) compared to the general population (ExAC). In summary, the currently available evidence indicates that the variant is pathogenic, but additional data are needed to prove that conclusively. Therefore, this variant has been classified as Likely Pathogenic.

Literature cited by the submitters: PubMed 7695699; PubMed 8218237; PubMed 19344236; PubMed 10612821; PubMed 26443184.

NM_001844.5(COL2A1):c.2509G>C (p.Gly837Arg)

Gene: COL2A1 (collagen type II alpha 1 chain; minus strand). Cytogenetic location: 12q13.11.
Variant type: single nucleotide variant.
Coding change: c.2509G>C on transcript NM_001844.5 (MANE Select); coding-DNA position 2509, G replaced by C.
Protein change: p.Gly837Arg; replaces glycine 837 with arginine.
Molecular consequence: missense variant.
Genome position (GRCh38, 1-based): chr12:47,980,923, C>G on the plus strand (G>C on the coding strand, the complement: COL2A1 is on the minus strand). VCF-style: chr12-47980923-C-G. GRCh37 (hg19) VCF-style: chr12-48374706-C-G.
Other names: c.2302G>C, p.Gly768Arg (NM_033150.3); short protein forms G837R, G768R.
Identifiers: ClinVar variation 971414 (VCV000971414.10), dbSNP rs1939031863, ClinGen allele CA384544892.